The following is an entry in ClinVar:

NM_002439.5(MSH3):c.2608T>A (p.Leu870Met)

Gene: MSH3 (mutS homolog 3; plus strand). Cytogenetic location: 5q14.1.
Variant type: single nucleotide variant.
Coding change: c.2608T>A on transcript NM_002439.5 (MANE Select); coding-DNA position 2608, T replaced by A.
Protein change: p.Leu870Met; replaces leucine 870 with methionine.
Molecular consequence: missense variant.
Genome position (GRCh38, 1-based): chr5:80,792,797, T>A. VCF-style: chr5-80792797-T-A. GRCh37 (hg19) VCF-style: chr5-80088616-T-A.
Other names: short protein forms L870M.
Identifiers: ClinVar variation 2100736 (VCV002100736.4), dbSNP rs2546786795, ClinGen allele CA360272963.

ClinVar aggregate classification (germline): Uncertain significance (1 of 4 stars; one submission).

Allele frequency attached by ClinVar (database versions not stated): gnomAD exomes below 0.00001.
gnomAD v4.1: 1 of 1,613,566 alleles (0.000062%); highest among the groups gnomAD compares: Non-Finnish European, 0.000085%; no homozygotes.

Submission:

Labcorp Genetics (formerly Invitae), Labcorp
Classification: Uncertain significance. Last evaluated: 2022-02-20. Review status: criteria provided, single submitter. Criteria: Invitae Variant Classification Sherloc (09022015). Collection method: clinical testing. Allele origin: germline.
Comment: In summary, the available evidence is currently insufficient to determine the role of this variant in disease. Therefore, it has been classified as a Variant of Uncertain Significance. Algorithms developed to predict the effect of missense changes on protein structure and function are either unavailable or do not agree on the potential impact of this missense change (SIFT: "Deleterious"; PolyPhen-2: "Probably Damaging"; Align-GVGD: "Class C0"). This variant has not been reported in the literature in individuals affected with MSH3-related conditions. This variant is not present in population databases (gnomAD no frequency). This sequence change replaces leucine, which is neutral and non-polar, with methionine, which is neutral and non-polar, at codon 870 of the MSH3 protein (p.Leu870Met).